The following is an entry in ClinVar:

ClinVar aggregate classification (germline): Uncertain significance (1 of 4 stars; one submission).

Conditions:
Bethlem myopathy 1A. Also called: Bethlem Muscular Dystrophy; MYOPATHY, BENIGN CONGENITAL, WITH CONTRACTURES; Bethlem myopathy 1. Identifiers: Orphanet 610, MedGen CN029274, MONDO:0024530, OMIM 158810.

Submission:

Labcorp Genetics (formerly Invitae), Labcorp
Classification: Uncertain significance for Bethlem myopathy 1A. Last evaluated: 2018-08-31. Review status: criteria provided, single submitter. Criteria: Invitae Variant Classification Sherloc (09022015). Collection method: clinical testing. Allele origin: germline.
Comment: This sequence change replaces glycine with aspartic acid at codon 1722 of the COL6A3 protein (p.Gly1722Asp). The glycine residue is weakly conserved and there is a moderate physicochemical difference between glycine and aspartic acid. This variant is not present in population databases (ExAC no frequency) and has not been reported in the literature in individuals with a COL6A3-related disease. This variant occurs outside of the conserved triple-helical domain of the type 6 alpha-3 collagen protein where amino acid substitutions are rarely pathogenic. However, substitution of a nearby amino acid (p.Leu1726Arg) was found in an individual with Bethlem myopathy and the variant was shown to have arisen de novo in the patient (see Patient BM2 in PMID: 17886299). Algorithms developed to predict the effect of missense changes on protein structure and function do not agree on the potential impact of this missense change (SIFT: "Tolerated"; PolyPhen-2: "Probably Damaging"; Align-GVGD: "Class C0"). In summary, this variant is a novel missense change with uncertain impact on protein function. It has been classified as a Variant of Uncertain Significance.

NM_004369.4(COL6A3):c.5165G>A (p.Gly1722Asp)

Gene: COL6A3 (collagen type VI alpha 3 chain; minus strand). Cytogenetic location: 2q37.3.
Variant type: single nucleotide variant.
Coding change: c.5165G>A on transcript NM_004369.4 (MANE Select); coding-DNA position 5165, G replaced by A.
Protein change: p.Gly1722Asp; replaces glycine 1722 with aspartic acid.
Molecular consequence: missense variant.
Genome position (GRCh38, 1-based): chr2:237,367,022, C>T on the plus strand (G>A on the coding strand, the complement: COL6A3 is on the minus strand). VCF-style: chr2-237367022-C-T. GRCh37 (hg19) VCF-style: chr2-238275665-C-T.
Other names: c.3344G>A, p.Gly1115Asp (NM_057166.5); c.4547G>A, p.Gly1516Asp (NM_057167.4); short protein forms G1722D, G1115D, G1516D.
Identifiers: ClinVar variation 476533 (VCV000476533.10), dbSNP rs1553556546, ClinGen allele CA351188265.